The following is an entry in ClinVar:

ClinVar aggregate classification (germline): Likely benign. Review status: criteria provided, multiple submitters, no conflicts (2 of 4 stars). 3 submissions from 3 submitters: Likely benign (3). Last evaluated 2026-02-02.

Conditions:
BTD-related disorder. Also called: BTD-related condition.
Biotinidase deficiency. Also called: Biotin deficiency; BTD deficiency; Late-onset biotin-responsive multiple carboxylase deficiency. Identifiers: Orphanet 79241, MedGen C0220754, MONDO:0009665, OMIM 253260.

Allele frequency attached by ClinVar (database versions not stated): gnomAD exomes 0.00002 and below 0.00001; ExAC 0.00003; gnomAD 0.00002; TOPMed 0.00003.
gnomAD v4.1: 10 of 1,614,086 alleles (0.00062%); highest among the groups gnomAD compares: Admixed American, 0.012%; no homozygotes.

Submissions (3):

PreventionGenetics, part of Exact Sciences
Classification: Likely benign for BTD-related condition. Last evaluated: 2026-02-02. Review status: criteria provided, single submitter. Criteria: ACMG Guidelines, 2015. Collection method: clinical testing. Allele origin: germline.
Comment: This variant is classified as likely benign based on ACMG/AMP sequence variant interpretation guidelines (Richards et al. 2015 PMID: 25741868, with internal and published modifications).

Labcorp Genetics (formerly Invitae), Labcorp
Classification: Likely benign for Biotinidase deficiency. Last evaluated: 2025-11-10. Review status: criteria provided, single submitter. Criteria: Invitae Variant Classification Sherloc (09022015). Collection method: clinical testing. Allele origin: germline.

CeGaT Center for Human Genetics Tuebingen
Classification: Likely benign. Last evaluated: 2022-10-01. Review status: criteria provided, single submitter. Criteria: CeGaT Center For Human Genetics Tuebingen Variant Classification Criteria Version 2. Collection method: clinical testing. Allele origin: germline. Affected: yes. Observed: 1 variant allele.
Comment: BTD: BP4, BP7

NM_001370658.1(BTD):c.1311G>A (p.Val437=)

Gene: BTD (biotinidase; plus strand). Cytogenetic location: 3p25.1.
Variant type: single nucleotide variant.
Coding change: c.1311G>A on transcript NM_001370658.1 (MANE Select); coding-DNA position 1311, G replaced by A.
Protein change: p.Val437=; no amino-acid change (valine 437 retained).
Molecular consequence: synonymous variant. On other transcripts: intron variant (8).
Genome position (GRCh38, 1-based): chr3:15,645,227, G>A. VCF-style: chr3-15645227-G-A. GRCh37 (hg19) VCF-style: chr3-15686734-G-A.
Other names: c.1371G>A (NM_000060.4); c.1311G>A, p.Val437= (NM_001281723.4, NM_001281724.3, NM_001281725.3 and 16 more transcripts); c.1015+296G>A (NM_001370752.1, NM_001407379.1); c.399+3170G>A (NM_001370753.1, NM_001407400.1, NM_001407380.1 and 3 more transcripts).
Identifiers: ClinVar variation 1591972 (VCV001591972.36), dbSNP rs753880468, ClinGen allele CA2277464.
Genomic context (GRCh38, chr3:15,645,227, plus strand): 5'-GTATGCCCTGGGGGTCTTTGATGGGCTTCACACAGTACATGGCACTTACTACATCCAAGT[G>A]TGTGCCCTGGTCAGGTGTGGGGGTCTTGGCTTCGACACCTGTGGACAGGAAATCACAGAG-3'
Protein context (NP_001357587.1, residues 427-447): HTVHGTYYIQ[Val437=]CALVRCGGLG